The following is an entry in ClinVar:

NM_018136.5(ASPM):c.6095G>A (p.Arg2032His)

Gene: ASPM (assembly factor for spindle microtubules; minus strand). Cytogenetic location: 1q31.3.
Variant type: single nucleotide variant.
Coding change: c.6095G>A on transcript NM_018136.5 (MANE Select); coding-DNA position 6095, G replaced by A.
Protein change: p.Arg2032His; replaces arginine 2032 with histidine.
Molecular consequence: missense variant. On other transcripts: intron variant (1).
Genome position (GRCh38, 1-based): chr1:197,103,156, C>T on the plus strand (G>A on the coding strand, the complement: ASPM is on the minus strand). VCF-style: chr1-197103156-C-T. GRCh37 (hg19) VCF-style: chr1-197072286-C-T.
Other names: c.4066-6992G>A (NM_001206846.2); c.6095G>A (NM_018136.4); short protein forms R2032H.
Identifiers: ClinVar variation 1940649 (VCV001940649.6), dbSNP rs149033840, ClinGen allele CA1309629.

ClinVar aggregate classification (germline): Uncertain significance. Review status: criteria provided, multiple submitters, no conflicts (2 of 4 stars). 2 submissions from 2 submitters: Uncertain significance (2). Last evaluated 2024-12-19.

Allele frequency attached by ClinVar (database versions not stated): gnomAD 0.00001; TOPMed 0.00001; ESP Exome Variant Server 0.00008; ExAC 0.00001.
gnomAD v4.1: 18 of 1,612,728 alleles (0.0011%); highest among the groups gnomAD compares: South Asian, 0.0066%; no homozygotes.

Submissions (2):

GeneDx
Classification: Uncertain significance. Last evaluated: 2024-12-19. Review status: criteria provided, single submitter. Criteria: GeneDx Variant Classification Process June 2021. Collection method: clinical testing. Allele origin: germline. Affected: yes.
Comment: Not observed at significant frequency in large population cohorts (gnomAD); In silico analysis supports that this missense variant has a deleterious effect on protein structure/function; Missense variant in a gene in which most reported pathogenic variants are truncating/loss of function; Has not been previously published as pathogenic or benign to our knowledge

Labcorp Genetics (formerly Invitae), Labcorp
Classification: Uncertain significance. Last evaluated: 2022-08-07. Review status: criteria provided, single submitter. Criteria: Invitae Variant Classification Sherloc (09022015). Collection method: clinical testing. Allele origin: germline.
Comment: This variant is present in population databases (rs149033840, gnomAD 0.007%). In summary, the available evidence is currently insufficient to determine the role of this variant in disease. Therefore, it has been classified as a Variant of Uncertain Significance. Algorithms developed to predict the effect of missense changes on protein structure and function are either unavailable or do not agree on the potential impact of this missense change (SIFT: "Deleterious"; PolyPhen-2: "Possibly Damaging"; Align-GVGD: "Class C0"). This variant has not been reported in the literature in individuals affected with ASPM-related conditions. This sequence change replaces arginine, which is basic and polar, with histidine, which is basic and polar, at codon 2032 of the ASPM protein (p.Arg2032His).